The following is an entry in ClinVar:

NM_020366.4(RPGRIP1):c.268G>A (p.Val90Ile)

Gene: RPGRIP1 (RPGR interacting protein 1; plus strand). Cytogenetic location: 14q11.2.
Variant type: single nucleotide variant.
Coding change: c.268G>A on transcript NM_020366.4 (MANE Select); coding-DNA position 268, G replaced by A.
Protein change: p.Val90Ile; replaces valine 90 with isoleucine.
Molecular consequence: missense variant.
Genome position (GRCh38, 1-based): chr14:21,301,015, G>A. VCF-style: chr14-21301015-G-A. GRCh37 (hg19) VCF-style: chr14-21769174-G-A.
Other names: short protein forms V90I.
Identifiers: ClinVar variation 374686 (VCV000374686.52), dbSNP rs1057519200, ClinGen allele CA16043847.

ClinVar aggregate classification (germline): Conflicting classifications of pathogenicity. Review status: criteria provided, conflicting classifications (1 of 4 stars). 7 submissions from 6 submitters: Pathogenic (1); Uncertain significance (6). Last evaluated 2022-09-13.

Conditions:
Cone dystrophy. Identifiers: Orphanet 1871, MedGen C0730290, MONDO:0000455.
Retinal dystrophy. Also called: Inherited retinal dystrophy. Identifiers: Orphanet 71862, MedGen C0854723, MeSH D058499, MONDO:0019118, HP:0000556.
Leber congenital amaurosis 6 (LCA6). Identifiers: Orphanet 65, MedGen C1854260, MONDO:0013446, OMIM 613826.
Cone-rod dystrophy 13 (CORD13). Identifiers: Orphanet 1872, MedGen C2750720, MONDO:0011987, OMIM 608194.

Allele frequency attached by ClinVar (database versions not stated): gnomAD exomes below 0.00001 and 0.00001.
gnomAD v4.1: 5 of 1,612,680 alleles (0.00031%); highest among the groups gnomAD compares: Non-Finnish European, 0.00042%; no homozygotes.

Submissions (7):

Blueprint Genetics
Classification: Uncertain significance. Last evaluated: 2022-09-13. Review status: criteria provided, single submitter. Criteria: ACMG Guidelines, 2015. Collection method: clinical testing. Allele origin: germline.

Institute of Human Genetics, Univ. Regensburg, Univ. Regensburg
Classification: Uncertain significance for Retinal dystrophy. Last evaluated: 2022-01-01. Review status: criteria provided, single submitter. Criteria: ACMG Guidelines, 2015. Collection method: clinical testing. Allele origin: germline. Affected: yes.

Genome-Nilou Lab
Classification: Uncertain significance for Cone-rod dystrophy 13. Last evaluated: 2021-11-07. Review status: criteria provided, single submitter. Criteria: ACMG Guidelines, 2015. Collection method: clinical testing. Allele origin: germline. Affected: no.

Genome-Nilou Lab
Classification: Uncertain significance for Leber congenital amaurosis 6. Last evaluated: 2021-11-07. Review status: criteria provided, single submitter. Criteria: ACMG Guidelines, 2015. Collection method: clinical testing. Allele origin: germline. Affected: no.

Labcorp Genetics (formerly Invitae), Labcorp
Classification: Uncertain significance for Leber congenital amaurosis 6; Cone-rod dystrophy 13. Last evaluated: 2021-08-27. Review status: criteria provided, single submitter. Criteria: Invitae Variant Classification Sherloc (09022015). Collection method: clinical testing. Allele origin: germline.
Comment: This sequence change replaces valine with isoleucine at codon 90 of the RPGRIP1 protein (p.Val90Ile). The valine residue is weakly conserved and there is a small physicochemical difference between valine and isoleucine. This variant is not present in population databases (ExAC no frequency). This missense change has been observed in individual(s) with clinical features of retinal dystrophy (Invitae). ClinVar contains an entry for this variant (Variation ID: 374686). Algorithms developed to predict the effect of missense changes on protein structure and function (SIFT, PolyPhen-2, Align-GVGD) all suggest that this variant is likely to be tolerated. In summary, the available evidence is currently insufficient to determine the role of this variant in disease. Therefore, it has been classified as a Variant of Uncertain Significance.

Molecular Genetics Laboratory, Institute for Ophthalmic Research
Classification: Pathogenic for Cone/cone-rod dystrophy. Last evaluated: 2020-01-09. Review status: criteria provided, single submitter. Criteria: ACMG Guidelines, 2015. Collection method: research. Allele origin: germline. Affected: yes.

CeGaT Center for Human Genetics Tuebingen
Classification: Uncertain significance. Last evaluated: 2016-12-01. Review status: criteria provided, single submitter. Criteria: CeGaT Center For Human Genetics Tuebingen Variant Classification Criteria Version 2. Collection method: clinical testing. Allele origin: germline. Affected: yes. Observed: 1 variant allele.

Literature cited by the submitters: PubMed 32531858 (cited by Institute of Human Genetics, Univ. Regensburg, Univ. Regensburg).